The following is an entry in ClinVar:

ClinVar aggregate classification (germline): Uncertain significance. Review status: criteria provided, multiple submitters, no conflicts (2 of 4 stars). 5 submissions from 5 submitters: Uncertain significance (5). Last evaluated 2025-12-22.

Conditions:
Neurofibromatosis, type 1 (NF1). Also called: NEUROFIBROMATOSIS, TYPE I, SOMATIC; Peripheral type neurofibromatosis; Neurofibromatosis, type I; VON RECKLINGHAUSEN DISEASE. Identifiers: Orphanet 636, MedGen C0027831, MONDO:0018975, OMIM 162200. Disease mechanism: loss of function.
Hereditary cancer-predisposing syndrome. Also called: Neoplastic Syndromes, Hereditary; Hereditary Cancer Syndrome; Tumor predisposition; Hereditary neoplastic syndrome. Identifiers: Orphanet 140162, MedGen C0027672, MeSH D009386, MONDO:0015356.
Cardiovascular phenotype. Identifiers: MedGen CN230736.

Submissions (5):

Labcorp Genetics (formerly Invitae), Labcorp
Classification: Uncertain significance for Neurofibromatosis, type 1. Last evaluated: 2025-12-22. Review status: criteria provided, single submitter. Criteria: Invitae Variant Classification Sherloc (09022015). Collection method: clinical testing. Allele origin: germline.
Comment: This sequence change replaces leucine, which is neutral and non-polar, with serine, which is neutral and polar, at codon 1418 of the NF1 protein (p.Leu1418Ser). This variant is not present in population databases (gnomAD no frequency). This variant has not been reported in the literature in individuals affected with NF1-related conditions. ClinVar contains an entry for this variant (Variation ID: 1320410). Invitae Evidence Modeling of protein sequence and biophysical properties (such as structural, functional, and spatial information, amino acid conservation, physicochemical variation, residue mobility, and thermodynamic stability) indicates that this missense variant is expected to disrupt NF1 protein function with a positive predictive value of 95%. In summary, the available evidence is currently insufficient to determine the role of this variant in disease. Therefore, it has been classified as a Variant of Uncertain Significance.

Ambry Genetics
Classification: Uncertain significance for Cardiovascular phenotype; Hereditary cancer-predisposing syndrome. Last evaluated: 2025-11-26. Review status: criteria provided, single submitter. Criteria: Ambry Variant Classification Scheme 2023. Collection method: clinical testing. Allele origin: germline.
Comment: The p.L1418S variant (also known as c.4253T>C), located in coding exon 31 of the NF1 gene, results from a T to C substitution at nucleotide position 4253. The leucine at codon 1418 is replaced by serine, an amino acid with dissimilar properties. This amino acid position is highly conserved in available vertebrate species. In addition, this alteration is predicted to be deleterious by in silico analysis. Based on the available evidence, the clinical significance of this variant remains unclear.

Genomic Medicine Center of Excellence, King Faisal Specialist Hospital and Research Centre
Classification: Uncertain significance for Neurofibromatosis, type 1. Last evaluated: 2024-04-04. Review status: criteria provided, single submitter. Criteria: ACMG Guidelines, 2015. Collection method: clinical testing. Allele origin: germline.

Genome-Nilou Lab
Classification: Uncertain significance for Neurofibromatosis, type 1. Last evaluated: 2022-03-15. Review status: criteria provided, single submitter. Criteria: ACMG Guidelines, 2015. Collection method: clinical testing. Allele origin: germline. Affected: no.

GeneDx
Classification: Uncertain significance. Last evaluated: 2019-05-22. Review status: criteria provided, single submitter. Criteria: GeneDx Variant Classification Process June 2021. Collection method: clinical testing. Allele origin: germline. Affected: yes.
Comment: Has not been previously published as pathogenic or benign to our knowledge; Not observed in large population cohorts (Lek et al., 2016); In silico analysis, which includes protein predictors and evolutionary conservation, supports a deleterious effect

NM_001042492.3(NF1):c.4316T>C (p.Leu1439Ser)

Gene: NF1 (neurofibromin 1; plus strand). Cytogenetic location: 17q11.2.
Variant type: single nucleotide variant.
Coding change: c.4316T>C on transcript NM_001042492.3 (MANE Select); coding-DNA position 4316, T replaced by C.
Protein change: p.Leu1439Ser; replaces leucine 1439 with serine.
Molecular consequence: missense variant.
Genome position (GRCh38, 1-based): chr17:31,258,486, T>C. VCF-style: chr17-31258486-T-C. GRCh37 (hg19) VCF-style: chr17-29585504-T-C.
Other names: c.4253T>C, p.Leu1418Ser (NM_000267.4); short protein forms L1418S, L1439S.
Identifiers: ClinVar variation 1320410 (VCV001320410.12), dbSNP rs1567862071, ClinGen allele CA398998121.